The following is an entry in ClinVar:

NM_000268.4(NF2):c.1422G>T (p.Glu474Asp)

Gene: NF2 (NF2, moesin-ezrin-radixin like (MERLIN) tumor suppressor; plus strand). Cytogenetic location: 22q12.2.
Variant type: single nucleotide variant.
Coding change: c.1422G>T on transcript NM_000268.4 (MANE Select); coding-DNA position 1422, G replaced by T.
Protein change: p.Glu474Asp; replaces glutamic acid 474 with aspartic acid.
Molecular consequence: missense variant. On other transcripts: non-coding transcript variant (1), intron variant (1).
Genome position (GRCh38, 1-based): chr22:29,674,917, G>T. VCF-style: chr22-29674917-G-T. GRCh37 (hg19) VCF-style: chr22-30070906-G-T.
Other names: c.1308G>T, p.Glu436Asp (NM_001407053.1, NM_001407056.1); c.1299G>T, p.Glu433Asp (NM_001407054.1, NM_001407058.1, NM_181829.3); c.1296G>T, p.Glu432Asp (NM_001407055.1, NM_181828.3); c.1287G>T, p.Glu429Asp (NM_001407057.1, NM_001407059.1); c.1422G>T, p.Glu474Asp (NM_001407060.1, NM_001407066.1, NM_016418.5 and 2 more transcripts); c.1164G>T, p.Glu388Asp (NM_001407062.1); c.1173G>T, p.Glu391Asp (NM_001407063.1, NM_001407064.1, NM_181830.3 and 1 more transcripts); c.888G>T, p.Glu296Asp (NM_001407065.1); and 2 more; short protein forms E388D, E432D, E296D, E397D, E436D, E391D, E429D, E433D.
Identifiers: ClinVar variation 2123079 (VCV002123079.5), dbSNP rs2147093509, ClinGen allele CA411149153.

ClinVar aggregate classification (germline): Uncertain significance. Review status: criteria provided, multiple submitters, no conflicts (2 of 4 stars). 2 submissions from 2 submitters: Uncertain significance (2). Last evaluated 2024-06-10.

Conditions:
Neurofibromatosis, type 2 (SWNV). Also called: NF2-Related Schwannomatosis; BILATERAL ACOUSTIC NEUROFIBROMATOSIS; SCHWANNOMATOSIS, VESTIBULAR. Identifiers: Orphanet 637, MedGen C0027832, MONDO:0007039, OMIM 101000. Disease mechanism: loss of function.

Submissions (2):

GeneDx
Classification: Uncertain significance. Last evaluated: 2024-06-10. Review status: criteria provided, single submitter. Criteria: GeneDx Variant Classification Process June 2021. Collection method: clinical testing. Allele origin: germline. Affected: yes.
Comment: Not observed at significant frequency in large population cohorts (gnomAD); In silico analysis indicates that this missense variant does not alter protein structure/function; Has not been previously published as pathogenic or benign to our knowledge; This variant is associated with the following publications: (PMID: 16324214, 17134719, 22482125)

Labcorp Genetics (formerly Invitae), Labcorp
Classification: Uncertain significance for Neurofibromatosis, type 2. Last evaluated: 2022-04-08. Review status: criteria provided, single submitter. Criteria: Invitae Variant Classification Sherloc (09022015). Collection method: clinical testing. Allele origin: germline.
Comment: In summary, the available evidence is currently insufficient to determine the role of this variant in disease. Therefore, it has been classified as a Variant of Uncertain Significance. Algorithms developed to predict the effect of missense changes on protein structure and function (SIFT, PolyPhen-2, Align-GVGD) all suggest that this variant is likely to be tolerated. This variant has not been reported in the literature in individuals affected with NF2-related conditions. This variant is not present in population databases (gnomAD no frequency). This sequence change replaces glutamic acid, which is acidic and polar, with aspartic acid, which is acidic and polar, at codon 474 of the NF2 protein (p.Glu474Asp).